The following is an entry in ClinVar:

ClinVar aggregate classification (germline): Pathogenic/Likely pathogenic. Review status: criteria provided, multiple submitters, no conflicts (2 of 4 stars). 2 submissions from 2 submitters: Pathogenic (1); Likely pathogenic (1). Last evaluated 2024-01-29.

Conditions:
Usher syndrome type 1D (USH1D). Also called: USHER SYNDROME, TYPE ID. Identifiers: Orphanet 231169, Orphanet 886, MedGen C1832845, MONDO:0010984, OMIM 601067.
Pituitary adenoma 5, multiple types. Identifiers: MedGen C4539685, MONDO:0054601, OMIM 617540.
Autosomal recessive nonsyndromic hearing loss 12. Also called: DEAFNESS, AUTOSOMAL RECESSIVE 12. Identifiers: Orphanet 90636, MedGen C1832394, MONDO:0011067, OMIM 601386.

Submissions (2):

Fulgent Genetics
Classification: Likely pathogenic for Usher syndrome type 1D; Autosomal recessive nonsyndromic hearing loss 12; Pituitary adenoma 5, multiple types. Last evaluated: 2024-01-29. Review status: criteria provided, single submitter. Criteria: ACMG Guidelines, 2015. Collection method: clinical testing. Allele origin: germline.

Labcorp Genetics (formerly Invitae), Labcorp
Classification: Pathogenic. Last evaluated: 2023-04-04. Review status: criteria provided, single submitter. Criteria: Invitae Variant Classification Sherloc (09022015). Collection method: clinical testing. Allele origin: germline.
Comment: For these reasons, this variant has been classified as Pathogenic. This variant has not been reported in the literature in individuals affected with CDH23-related conditions. This variant is not present in population databases (gnomAD no frequency). This sequence change creates a premature translational stop signal (p.Tyr2519*) in the CDH23 gene. It is expected to result in an absent or disrupted protein product. Loss-of-function variants in CDH23 are known to be pathogenic (PMID: 11138009, 21940737).

Literature cited by the submitters: PubMed 11138009 (cited by Labcorp Genetics (formerly Invitae), Labcorp); PubMed 21940737 (cited by Labcorp Genetics (formerly Invitae), Labcorp).

NM_022124.6(CDH23):c.7557T>G (p.Tyr2519Ter)

Gene: CDH23 (cadherin related 23; plus strand). Cytogenetic location: 10q22.1.
Variant type: single nucleotide variant.
Coding change: c.7557T>G on transcript NM_022124.6 (MANE Select); coding-DNA position 7557, T replaced by G.
Protein change: p.Tyr2519Ter; replaces tyrosine 2519 with a stop codon.
Molecular consequence: nonsense.
Genome position (GRCh38, 1-based): chr10:71,802,972, T>G. VCF-style: chr10-71802972-T-G. GRCh37 (hg19) VCF-style: chr10-73562729-T-G.
Other names: c.837T>G, p.Tyr279Ter (NM_001171933.1, NM_001171934.1); short protein forms Y2519*, Y279*.
Identifiers: ClinVar variation 2851982 (VCV002851982.4), dbSNP rs2132977459, ClinGen allele CA377160598.